The following is an entry in ClinVar:

NM_001267550.2(TTN):c.61007A>G (p.Tyr20336Cys)

Genes: TTN (titin; minus strand), TTN-AS1 (TTN antisense RNA 1; plus strand). Cytogenetic location: 2q31.2.
Variant type: single nucleotide variant.
Coding change: c.61007A>G on transcript NM_001267550.2 (MANE Select); coding-DNA position 61007, A replaced by G.
Protein change: p.Tyr20336Cys; replaces tyrosine 20336 with cysteine.
Molecular consequence: missense variant.
Genome position (GRCh38, 1-based): chr2:178,590,718, T>C on the plus strand (A>G on the coding strand, the complement: TTN is on the minus strand). VCF-style: chr2-178590718-T-C. GRCh37 (hg19) VCF-style: chr2-179455445-T-C.
Other names: c.56084A>G, p.Tyr18695Cys (NM_001256850.1); c.33812A>G, p.Tyr11271Cys (NM_003319.4); c.53303A>G, p.Tyr17768Cys (NM_133378.4); c.34187A>G, p.Tyr11396Cys (NM_133432.3); c.34388A>G, p.Tyr11463Cys (NM_133437.4); short protein forms Y11396C, Y17768C, Y18695C, Y11271C, Y20336C, Y11463C.
Identifiers: ClinVar variation 1730823 (VCV001730823.2), dbSNP rs1471127612, ClinGen allele CA349477436.

ClinVar aggregate classification (germline): Uncertain significance (1 of 4 stars; one submission).

Conditions:
Cardiovascular phenotype. Identifiers: MedGen CN230736.

Allele frequency attached by ClinVar (database versions not stated): gnomAD 0.00001.
gnomAD v4.1: 1 of 1,612,794 alleles (0.000062%); no homozygotes.

Submission:

Ambry Genetics
Classification: Uncertain significance for Cardiovascular phenotype. Last evaluated: 2019-11-20. Review status: criteria provided, single submitter. Criteria: Ambry Variant Classification Scheme 2023. Collection method: clinical testing. Allele origin: germline.
Comment: The p.Y11271C variant (also known as c.33812A>G), located in coding exon 131 of the TTN gene, results from an A to G substitution at nucleotide position 33812. The tyrosine at codon 11271 is replaced by cysteine, an amino acid with highly dissimilar properties. This amino acid position is not well conserved in available vertebrate species. In addition, this alteration is predicted to be tolerated by in silico analysis. Since supporting evidence is limited at this time, the clinical significance of this alteration remains unclear.